The following is an entry in ClinVar:

ClinVar aggregate classification (germline): Uncertain significance. Review status: criteria provided, multiple submitters, no conflicts (2 of 4 stars). 2 submissions from 2 submitters: Uncertain significance (2). Last evaluated 2022-05-12.

Allele frequency attached by ClinVar (database versions not stated): TOPMed 0.00002; ExAC 0.00003; gnomAD 0.00003; gnomAD exomes 0.00004.
gnomAD v4.1: 61 of 1,612,820 alleles (0.0038%); highest among the groups gnomAD compares: Non-Finnish European, 0.0048%; no homozygotes.

Submissions (2):

Labcorp Genetics (formerly Invitae), Labcorp
Classification: Uncertain significance. Last evaluated: 2022-05-12. Review status: criteria provided, single submitter. Criteria: Invitae Variant Classification Sherloc (09022015). Collection method: clinical testing. Allele origin: germline.
Comment: This sequence change replaces proline, which is neutral and non-polar, with leucine, which is neutral and non-polar, at codon 253 of the COQ8A protein (p.Pro253Leu). This variant is present in population databases (rs755595528, gnomAD 0.004%). This variant has not been reported in the literature in individuals affected with COQ8A-related conditions. Advanced modeling of protein sequence and biophysical properties (such as structural, functional, and spatial information, amino acid conservation, physicochemical variation, residue mobility, and thermodynamic stability) performed at Invitae indicates that this missense variant is not expected to disrupt COQ8A protein function. In summary, the available evidence is currently insufficient to determine the role of this variant in disease. Therefore, it has been classified as a Variant of Uncertain Significance.

GeneDx
Classification: Uncertain significance. Last evaluated: 2022-03-24. Review status: criteria provided, single submitter. Criteria: GeneDx Variant Classification Process June 2021. Collection method: clinical testing. Allele origin: germline. Affected: yes.
Comment: Not observed at significant frequency in large population cohorts (gnomAD); In silico analysis supports that this missense variant has a deleterious effect on protein structure/function; Has not been previously published as pathogenic or benign to our knowledge

NM_020247.5(COQ8A):c.758C>T (p.Pro253Leu)

Gene: COQ8A (coenzyme Q8A; plus strand). Cytogenetic location: 1q42.13.
Variant type: single nucleotide variant.
Coding change: c.758C>T on transcript NM_020247.5 (MANE Select); coding-DNA position 758, C replaced by T.
Protein change: p.Pro253Leu; replaces proline 253 with leucine.
Molecular consequence: missense variant.
Genome position (GRCh38, 1-based): chr1:226,982,054, C>T. VCF-style: chr1-226982054-C-T. GRCh37 (hg19) VCF-style: chr1-227169755-C-T.
Other names: short protein forms P253L.
Identifiers: ClinVar variation 1707093 (VCV001707093.4), dbSNP rs755595528, ClinGen allele CA1425144.